The following is an entry in ClinVar:

NM_000218.3(KCNQ1):c.1165TCC[3] (p.Ser390_Thr391insSer)

Gene: KCNQ1 (potassium voltage-gated channel subfamily Q member 1; plus strand). Cytogenetic location: 11p15.5.
Variant type: Microsatellite.
Coding change: c.1165TCC[3] on transcript NM_000218.3 (MANE Select); three copies in a row of the 3-base unit TCC starting at c.1165; the reference has two copies in a row; one copy, 3 bases duplicated.
Protein change: p.Ser390_Thr391insSer.
Molecular consequence: inframe insertion. On other transcripts: inframe indel (6).
Genome position (GRCh38, 1-based): chr11:2,587,609-2,587,611, TCC duplicated; duplicating any 3 consecutive bases within chr11:2,587,605-2,587,611 gives the same sequence; the position shown is the placement nearest the transcript's 3' end. VCF-style (leftmost placement, unchanged base first): chr11-2587604-A-ACTC. GRCh37 (hg19) VCF-style: chr11-2608834-A-ACTC.
Other names: c.1170_1171insTCC (NM_000218.2); c.1165_1167TCC[3], p.Ser390_Thr391insSer (NM_000218.2); c.1069_1071TCC[3], p.Ser358_Thr359insSer (NM_001406836.1); c.895_897TCC[3], p.Ser300_Thr301insSer (NM_001406837.1); c.625_627TCC[3], p.Ser210_Thr211insSer (NM_001406838.1); c.784_786TCC[3], p.Ser263_Thr264insSer (NM_181798.2).
Identifiers: ClinVar variation 418273 (VCV000418273.6), dbSNP rs1064793160, ClinGen allele CA16619311.

ClinVar aggregate classification (germline): Uncertain significance. Review status: criteria provided, multiple submitters, no conflicts (2 of 4 stars). 2 submissions from 2 submitters: Uncertain significance (2). Last evaluated 2021-09-24.

Conditions:
Cardiovascular phenotype. Identifiers: MedGen CN230736.

Submissions (2):

Ambry Genetics
Classification: Uncertain significance for Cardiovascular phenotype. Last evaluated: 2021-09-24. Review status: criteria provided, single submitter. Criteria: Ambry Variant Classification Scheme 2023. Collection method: clinical testing. Allele origin: germline.
Comment: The c.1168_1170dupTCC variant (also known as p.S390dup), located in coding exon 9 of the KCNQ1 gene, results from an in-frame duplication of TCC at nucleotide positions 1168 to 1170. This results in the duplication of an extra serine residue between codons 390 and 391. This variant was reported in a long QT syndrome genetic testing cohort; however, clinical details were limited (Kapplinger JD et al. Heart Rhythm, 2009 Sep;6:1297-303). This amino acid position is not well conserved in available vertebrate species. In addition, this alteration is predicted to be neutral by in silico analysis (Choi Y et al. PLoS ONE. 2012; 7(10):e46688). Since supporting evidence is limited at this time, the clinical significance of this alteration remains unclear.

GeneDx
Classification: Uncertain significance. Last evaluated: 2016-10-14. Review status: criteria provided, single submitter. Criteria: GeneDx Variant Classification (06012015). Collection method: clinical testing. Allele origin: germline. Affected: yes.
Comment: The c.1168_1170dupTCC variant, also described as c.1171_1173dupCTT due to different nomenclature, has been reported in one individual referred for LQTS testing, however, no patient-specific clinical data were provided (Kapplinger et al., 2009). The c.1168_1170dupTCC variant results in an in-frame duplication of one Serine residue. Other in-frame deletions and duplications have been reported in HGMD in association with LQTS (Stenson et al., 2014). Furthermore, the c.1168_1170dupTCC variant was not observed in approximately 6,500 individuals of European and African American ancestry in the NHLBI Exome Sequencing Project, indicating it is not a common benign variant in these populations. Nonetheless, this variant lacks observation in a significant number of affected individuals, significant segregation data, and functional evidence, all of which would further clarify pathogenicity.

Literature cited by the submitters: PubMed 19716085 (cited by Ambry Genetics).